The following is an entry in ClinVar:

NM_000051.4(ATM):c.5793T>C (p.Ala1931=)

Genes: ATM (ATM serine/threonine kinase; plus strand), C11orf65 (chromosome 11 open reading frame 65; minus strand). Cytogenetic location: 11q22.3.
Variant type: single nucleotide variant.
Coding change: c.5793T>C on transcript NM_000051.4 (MANE Select); coding-DNA position 5793, T replaced by C.
Protein change: p.Ala1931=; no amino-acid change (alanine 1931 retained).
Molecular consequence: synonymous variant. On other transcripts: intron variant (2).
Genome position (GRCh38, 1-based): chr11:108,310,190, T>C. VCF-style: chr11-108310190-T-C. GRCh37 (hg19) VCF-style: chr11-108180917-T-C.
Other names: p.A1931A:GCT>GCC; NP_000042.3:p.Ala1931=; p.Ala1931=; c.5793T>C, p.Ala1931= (NM_001351834.2); c.641-1119A>G (NM_001330368.2); c.*39-1119A>G (NM_001351110.2).
Identifiers: ClinVar variation 128459 (VCV000128459.107), dbSNP rs3092910, ClinGen allele CA151932.
Genomic context (GRCh38, chr11:108,310,190, plus strand): 5'-TGAATGACATTATATCTCATTTTTCTTTAGACCTTCTTCAGGAACAATTTTTAATGATGC[T>C]TTCTGGCTGGATTTAAATTATCTAGAAGTTGCCAAGGTAGCTCAGTCTTGTGCTGCTCAC-3'
Protein context (NP_000042.3, residues 1921-1941): RPSSGTIFND[Ala1931=]FWLDLNYLEV

ClinVar aggregate classification (germline): Benign/Likely benign. Review status: criteria provided, multiple submitters, no conflicts (2 of 4 stars). 29 submissions from 29 submitters: Benign (13); Likely benign (5). 11 of the submissions do not count toward it. Last evaluated 2026-09-01.

Conditions:
ATM-related cancer predisposition. Also called: ATM-related cancer susceptibility. Identifiers: MedGen CN377759, MONDO:0700270.
ATM-related disorder. Also called: ATM-related disorders; ATM-related condition.
Hereditary cancer-predisposing syndrome. Also called: Neoplastic Syndromes, Hereditary; Hereditary Cancer Syndrome; Tumor predisposition; Hereditary neoplastic syndrome. Identifiers: Orphanet 140162, MedGen C0027672, MeSH D009386, MONDO:0015356.
Hereditary breast ovarian cancer syndrome. Also called: BRCA1- and BRCA2-Associated Hereditary Breast and Ovarian Cancer; Hereditary breast and ovarian cancer syndrome; Hereditary breast and ovarian cancer syndrome (HBOC); Hereditary breast and/or ovarian cancer syndrome; Hereditary breast and ovarian cancer; Breast and ovarian cancer. Identifiers: Orphanet 145, MedGen C0677776, MeSH D061325, MONDO:0003582. Disease mechanism: loss of function.
Familial cancer of breast. Also called: BREAST CANCER, FAMILIAL; hereditary breast carcinoma; Hereditary breast cancer. Identifiers: Orphanet 227535, MedGen C0346153, MONDO:0016419, OMIM 114480. Disease mechanism: loss of function.
Malignant tumor of breast. Also called: Malignant breast neoplasm; Cancer breast. Identifiers: MedGen C0006142, MONDO:0007254. Disease mechanism: loss of function.
Ataxia-telangiectasia syndrome (AT). Also called: Ataxia-telangiectasia, complementation group D; AT, COMPLEMENTATION GROUP C; Ataxia-telangiectasia; ATAXIA-TELANGIECTASIA, COMPLEMENTATION GROUP A; ATAXIA-TELANGIECTASIA, FRESNO VARIANT; Ataxia-telangiectasia, complementation group E. Identifiers: Orphanet 100, MedGen C0004135, MONDO:0008840, OMIM 208900.

Allele frequency attached by ClinVar (database versions not stated): ExAC 0.00521; 1000 Genomes Project 0.00619; gnomAD 0.00608 and 0.00610; TOPMed 0.00634; 1000 Genomes Project 30x 0.00640; ESP Exome Variant Server 0.00754.
gnomAD v4.1: 10,925 of 1,613,558 alleles (0.68%); highest among the groups gnomAD compares: African/African-American, 0.78%; 41 homozygotes.

Submissions 1 to 21 of 29:

CeGaT Center for Human Genetics Tuebingen
Classification: Likely benign. Last evaluated: 2026-09-01. Review status: criteria provided, single submitter. Criteria: CeGaT Center For Human Genetics Tuebingen Variant Classification Criteria Version 2. Collection method: clinical testing. Allele origin: germline. Affected: yes. Observed: 67 variant alleles.
Comment: ATM: BP4, BP7, BS2

Labcorp Genetics (formerly Invitae), Labcorp
Classification: Benign for Ataxia-telangiectasia syndrome. Last evaluated: 2026-02-04. Review status: criteria provided, single submitter. Criteria: Invitae Variant Classification Sherloc (09022015). Collection method: clinical testing. Allele origin: germline.

Dasa
Classification: Benign for ATM-related cancer predisposition. Last evaluated: 2025-12-24. Review status: criteria provided, single submitter. Criteria: DASA Assertion Criteria. Collection method: clinical testing. Allele origin: germline.
Comment: NM_000051.4(ATM):c.5793T>C (p.Ala1931=) is interpreted as benign based on a combination of available evidence, which may include population frequency, observations in unaffected individuals, intact protein function, lack of segregation with disease, in silico models, amino acid conservation, lack of disease association in case-control studies, and/or inconsistency with the known disease mechanism or impacted region. Based on the available data, this variant is classified as benign.

ARUP Laboratories, Molecular Genetics and Genomics, ARUP Laboratories
Classification: Benign. Last evaluated: 2025-06-02. Review status: criteria provided, single submitter. Criteria: ARUP Molecular Germline Variant Investigation Process 2024. Collection method: clinical testing. Allele origin: germline.

Center for Genomic Medicine, Rigshospitalet, Copenhagen University Hospital
Classification: Benign. Last evaluated: 2025-03-04. Review status: criteria provided, single submitter. Criteria: ACMG Guidelines, 2015. Collection method: clinical testing. Allele origin: germline.

Athena Diagnostics
Classification: Benign. Last evaluated: 2025-01-08. Review status: criteria provided, single submitter. Criteria: Athena Diagnostics Criteria. Collection method: clinical testing. Allele origin: unknown.
Comment: The frequency of this variant in the general population is higher than would generally be expected for pathogenic variants in this gene.

Myriad Genetics, Inc.
Classification: Benign for Familial cancer of breast. Last evaluated: 2024-05-24. Review status: criteria provided, single submitter. Criteria: Myriad Autosomal Dominant, Autosomal Recessive and X-Linked Classification Criteria (2023). Collection method: clinical testing. Allele origin: unknown.
Comment: This variant is considered benign. This variant is a silent/synonymous amino acid change and it is not expected to impact splicing.

KCCC/NGS Laboratory, Kuwait Cancer Control Center
Classification: Benign for Familial cancer of breast. Last evaluated: 2023-07-07. Review status: criteria provided, single submitter. Criteria: ACMG Guidelines, 2015. Collection method: clinical testing. Allele origin: germline. Affected: yes.

Mayo Clinic Laboratories, Mayo Clinic
Classification: Benign. Last evaluated: 2023-04-18. Review status: criteria provided, single submitter. Criteria: ACMG Guidelines, 2015. Collection method: clinical testing. Allele origin: germline. Observed: 51 variant alleles.
Comment: BA1, BP4, BP7

National Health Laboratory Service, Universitas Academic Hospital and University of the Free State
Classification: Benign for Hereditary breast ovarian cancer syndrome. Last evaluated: 2022-04-19. Review status: criteria provided, single submitter. Criteria: ACMG Guidelines, 2015. Collection method: clinical testing. Allele origin: germline. Affected: yes. Observed: 4 variant alleles.

Quest Diagnostics Nichols Institute San Juan Capistrano
Classification: Benign. Last evaluated: 2021-09-29. Review status: criteria provided, single submitter. Criteria: Quest Diagnostics criteria. Collection method: clinical testing. Allele origin: unknown.

Clinical Genetics DNA and cytogenetics Diagnostics Lab, Erasmus MC, Erasmus Medical Center
Classification: Likely benign for Ataxia-telangiectasia syndrome. Last evaluated: 2017-06-28. Review status: criteria provided, single submitter. Criteria: ACGS Guidelines, 2013. Collection method: clinical testing. Allele origin: germline. Affected: yes. Study: VKGL Data-share Consensus.

Illumina Laboratory Services, Illumina
Classification: Likely benign for Ataxia-telangiectasia syndrome. Last evaluated: 2017-04-27. Review status: criteria provided, single submitter. Criteria: ICSL Variant Classification Criteria 13 December 2019. Collection method: clinical testing. Allele origin: germline.
Comment: This variant was observed as part of a predisposition screen in an ostensibly healthy population. A literature search was performed for the gene, cDNA change, and amino acid change (where applicable). Publications were found based on this search. The evidence from the literature, in combination with allele frequency data from public databases where available, was sufficient to determine this variant is unlikely to cause disease. Therefore, this variant is classified as likely benign.

Laboratory for Molecular Medicine, Mass General Brigham Personalized Medicine
Classification: Likely benign. Last evaluated: 2016-03-28. Review status: criteria provided, single submitter. Criteria: LMM Criteria. Collection method: clinical testing. Allele origin: germline.
Comment: Variant identified in a genome or exome case(s) and assessed due to predicted null impact of the variant or pathogenic assertions in the literature or databases. Disclaimer: This variant has not undergone full assessment. The following are preliminary notes: Silent variant not near splice site

Eurofins Ntd Llc (ga)
Classification: Benign. Last evaluated: 2015-09-08. Review status: criteria provided, single submitter. Criteria: EGL Classification Definitions 2015. Collection method: clinical testing. Allele origin: germline. Observed: 1 variant allele, 1 heterozygote.

Ambry Genetics
Classification: Likely benign for Hereditary cancer-predisposing syndrome. Last evaluated: 2015-09-04. Review status: criteria provided, single submitter. Criteria: Ambry Variant Classification Scheme 2023. Collection method: clinical testing. Allele origin: germline.

Color Diagnostics, LLC DBA Color Health
Classification: Benign for Hereditary cancer-predisposing syndrome. Last evaluated: 2015-04-10. Review status: criteria provided, single submitter. Criteria: ACMG Guidelines, 2015. Collection method: clinical testing. Allele origin: germline.

GeneDx
Classification: Benign. Last evaluated: 2013-10-10. Review status: criteria provided, single submitter. Criteria: GeneDx Variant Classification (06012015). Collection method: clinical testing. Allele origin: germline. Affected: yes.
Comment: This variant is considered likely benign or benign based on one or more of the following criteria: it is a conservative change, it occurs at a poorly conserved position in the protein, it is predicted to be benign by multiple in silico algorithms, and/or has population frequency not consistent with disease.

Institute for Biomarker Research, Medical Diagnostic Laboratories, L.L.C.
Classification: Likely benign for Hereditary cancer-predisposing syndrome. Last evaluated: 2021-09-27. Review status: no assertion criteria provided. Collection method: clinical testing. Allele origin: germline. Not counted in ClinVar's aggregate classification.

Natera, Inc.
Classification: Benign for Ataxia-telangiectasia. Last evaluated: 2019-12-02. Review status: no assertion criteria provided. Collection method: clinical testing. Allele origin: germline. Not counted in ClinVar's aggregate classification.

PreventionGenetics, part of Exact Sciences
Classification: Benign for ATM-related condition. Last evaluated: 2019-05-15. Review status: no assertion criteria provided. Collection method: clinical testing. Allele origin: germline. Not counted in ClinVar's aggregate classification.
Comment: This variant is classified as benign based on ACMG/AMP sequence variant interpretation guidelines (Richards et al. 2015 PMID: 25741868, with internal and published modifications).